The following is an entry in ClinVar:

NM_177438.3(DICER1):c.2976C>T (p.His992=)

Gene: DICER1 (dicer 1, ribonuclease III; minus strand). Cytogenetic location: 14q32.13.
Variant type: single nucleotide variant.
Coding change: c.2976C>T on transcript NM_177438.3 (MANE Select); coding-DNA position 2976, C replaced by T.
Protein change: p.His992=; no amino-acid change (histidine 992 retained).
Molecular consequence: synonymous variant.
Genome position (GRCh38, 1-based): chr14:95,106,052, G>A on the plus strand (C>T on the coding strand, the complement: DICER1 is on the minus strand). VCF-style: chr14-95106052-G-A. GRCh37 (hg19) VCF-style: chr14-95572389-G-A.
Other names: c.2976C>T, p.His992= (NM_001195573.1, NM_001271282.3, NM_001291628.2 and 1 more transcripts).
Identifiers: ClinVar variation 767911 (VCV000767911.15), dbSNP rs1220596043, ClinGen allele CA487844587.

ClinVar aggregate classification (germline): Benign/Likely benign. Review status: criteria provided, multiple submitters, no conflicts (2 of 4 stars). 3 submissions from 3 submitters: Benign (1); Likely benign (2). Last evaluated 2026-04-16.

Conditions:
DICER1-related tumor predisposition. Also called: DICER1 syndrome; DICER1-related pleuropulmonary blastoma cancer predisposition syndrome. Identifiers: Orphanet 284343, MedGen C3839822, MONDO:0100216.
Hereditary cancer-predisposing syndrome. Also called: Tumor predisposition; Hereditary Cancer Syndrome; Hereditary neoplastic syndrome; Neoplastic Syndromes, Hereditary. Identifiers: Orphanet 140162, MedGen C0027672, MeSH D009386, MONDO:0015356.

Allele frequency attached by ClinVar (database versions not stated): gnomAD exomes below 0.00001 and 0.00001.
gnomAD v4.1: 1 of 1,614,162 alleles (0.000062%); highest among the groups gnomAD compares: Admixed American, 0.0017%; no homozygotes.

Submissions (3):

Myriad Genetics, Inc.
Classification: Benign for DICER1-related tumor predisposition. Last evaluated: 2026-04-16. Review status: criteria provided, single submitter. Criteria: Myriad Autosomal Dominant, Autosomal Recessive and X-Linked Classification Criteria (2023). Collection method: clinical testing. Allele origin: unknown.
Comment: This variant is considered benign. This variant is a silent/synonymous amino acid change and it is not expected to impact splicing.

Labcorp Genetics (formerly Invitae), Labcorp
Classification: Likely benign for DICER1-related tumor predisposition. Last evaluated: 2026-01-12. Review status: criteria provided, single submitter. Criteria: Invitae Variant Classification Sherloc (09022015). Collection method: clinical testing. Allele origin: germline.

Ambry Genetics
Classification: Likely benign for Hereditary cancer-predisposing syndrome. Last evaluated: 2020-06-02. Review status: criteria provided, single submitter. Criteria: Ambry Variant Classification Scheme 2023. Collection method: clinical testing. Allele origin: germline.